The following is an entry in ClinVar:

ClinVar aggregate classification (germline): Uncertain significance (1 of 4 stars; one submission).

Conditions:
Idiopathic generalized epilepsy. Also called: EIG; Generalised epilepsy. Identifiers: MedGen C0270850, MONDO:0005579, OMIM 600669.

gnomAD v4.1: 1 of 1,613,108 alleles (0.000062%); highest among the groups gnomAD compares: Admixed American, 0.0017%; no homozygotes.

Submission:

Labcorp Genetics (formerly Invitae), Labcorp
Classification: Uncertain significance for Idiopathic generalized epilepsy. Last evaluated: 2025-11-11. Review status: criteria provided, single submitter. Criteria: Invitae Variant Classification Sherloc (09022015). Collection method: clinical testing. Allele origin: germline.
Comment: This sequence change replaces serine, which is neutral and polar, with glycine, which is neutral and non-polar, at codon 296 of the GABRD protein (p.Ser296Gly). This variant is not present in population databases (gnomAD no frequency). This variant has not been reported in the literature in individuals affected with GABRD-related conditions. An algorithm developed to predict the effect of missense changes on protein structure and function (PolyPhen-2) suggests that this variant is likely to be disruptive. In summary, the available evidence is currently insufficient to determine the role of this variant in disease. Therefore, it has been classified as a Variant of Uncertain Significance.

NM_000815.5(GABRD):c.886A>G (p.Ser296Gly)

Gene: GABRD (gamma-aminobutyric acid type A receptor subunit delta; plus strand). Cytogenetic location: 1p36.33.
Variant type: single nucleotide variant.
Coding change: c.886A>G on transcript NM_000815.5 (MANE Select); coding-DNA position 886, A replaced by G.
Protein change: p.Ser296Gly; replaces serine 296 with glycine.
Molecular consequence: missense variant.
Genome position (GRCh38, 1-based): chr1:2,029,589, A>G. VCF-style: chr1-2029589-A-G. GRCh37 (hg19) VCF-style: chr1-1961028-A-G.
Other names: short protein forms S296G.
Identifiers: ClinVar variation 4808774 (VCV004808774.1).